The following is an entry in ClinVar:

NM_003331.5(TYK2):c.34A>G (p.Ser12Gly)

Gene: TYK2 (tyrosine kinase 2; minus strand). Cytogenetic location: 19p13.2.
Variant type: single nucleotide variant.
Coding change: c.34A>G on transcript NM_003331.5 (MANE Select); coding-DNA position 34, A replaced by G.
Protein change: p.Ser12Gly; replaces serine 12 with glycine.
Molecular consequence: missense variant.
Genome position (GRCh38, 1-based): chr19:10,378,373, T>C on the plus strand (A>G on the coding strand, the complement: TYK2 is on the minus strand). VCF-style: chr19-10378373-T-C. GRCh37 (hg19) VCF-style: chr19-10489049-T-C.
Other names: short protein forms S12G.
Identifiers: ClinVar variation 844490 (VCV000844490.9), dbSNP rs2042247201, ClinGen allele CA404023187.

ClinVar aggregate classification (germline): Uncertain significance (1 of 4 stars; one submission).

Conditions:
Immunodeficiency 35 (IMD35). Also called: Susceptibility to infection due to TYK2 deficiency; TYK2 DEFICIENCY; HIES WITH ATYPICAL MYCOBACTERIOSIS, AUTOSOMAL RECESSIVE; HYPER-IgE SYNDROME WITH ATYPICAL MYCOBACTERIOSIS, AUTOSOMAL RECESSIVE. Identifiers: Orphanet 331226, MedGen C1969086, MONDO:0012682, OMIM 611521.

Submission:

Labcorp Genetics (formerly Invitae), Labcorp
Classification: Uncertain significance for Immunodeficiency 35. Last evaluated: 2022-02-10. Review status: criteria provided, single submitter. Criteria: Invitae Variant Classification Sherloc (09022015). Collection method: clinical testing. Allele origin: germline.
Comment: In summary, the available evidence is currently insufficient to determine the role of this variant in disease. Therefore, it has been classified as a Variant of Uncertain Significance. Algorithms developed to predict the effect of sequence changes on RNA splicing suggest that this variant may create or strengthen a splice site. Algorithms developed to predict the effect of missense changes on protein structure and function output the following: SIFT: "Not Available"; PolyPhen-2: "Benign"; Align-GVGD: "Not Available". The glycine amino acid residue is found in multiple mammalian species, which suggests that this missense change does not adversely affect protein function. ClinVar contains an entry for this variant (Variation ID: 844490). This variant has not been reported in the literature in individuals affected with TYK2-related conditions. This variant is not present in population databases (gnomAD no frequency). This sequence change replaces serine, which is neutral and polar, with glycine, which is neutral and non-polar, at codon 12 of the TYK2 protein (p.Ser12Gly).